The following is an entry in ClinVar:

NM_005219.5(DIAPH1):c.621-3C>T

Gene: DIAPH1 (diaphanous related formin 1; minus strand). Cytogenetic location: 5q31.3.
Variant type: single nucleotide variant.
Coding change: c.621-3C>T on transcript NM_005219.5 (MANE Select); 3 bases into the intron before coding-DNA position 621, C replaced by T.
Molecular consequence: intron variant.
Genome position (GRCh38, 1-based): chr5:141,582,378, G>A on the plus strand (C>T on the coding strand, the complement: DIAPH1 is on the minus strand). VCF-style: chr5-141582378-G-A. GRCh37 (hg19) VCF-style: chr5-140961945-G-A.
Other names: c.594-3C>T (NM_001079812.3); c.621-3C>T (NM_001314007.2).
Identifiers: ClinVar variation 2946933 (VCV002946933.3), dbSNP rs2099896906, ClinGen allele CA1587256504.
Genomic context (GRCh38, chr5:141,582,378, plus strand): 5'-GTTCATAAAAGCTTTCAAGCAGCGAATGATCTCATGCTTGTTCCGGCTATCGTAACTCCT[G>A]TATATAGAAGACATAATCAGTGAGGTCCCTTTATTCTCTACCCCTTTCCCATTTTTAATC-3'

ClinVar aggregate classification (germline): Uncertain significance (1 of 4 stars; one submission).

Conditions:
Autosomal dominant nonsyndromic hearing loss 1. Also called: KONIGSMARK SYNDROME; DEAFNESS, AUTOSOMAL DOMINANT 1, WITH OR WITHOUT THROMBOCYTOPENIA. Identifiers: Orphanet 90635, MedGen C1852282, MONDO:0007424, OMIM 124900.
Progressive microcephaly-seizures-cortical blindness-developmental delay syndrome. Also called: Seizures, cortical blindness, and microcephaly syndrome. Identifiers: Orphanet 477814, MedGen C5567650, MONDO:0014714, OMIM 616632.

Allele frequency attached by ClinVar (database versions not stated): gnomAD exomes below 0.00001.
gnomAD v4.1: 2 of 1,607,744 alleles (0.00012%); highest among the groups gnomAD compares: Non-Finnish European, 0.00017%; no homozygotes.

Submission:

Labcorp Genetics (formerly Invitae), Labcorp
Classification: Uncertain significance for Progressive microcephaly-seizures-cortical blindness-developmental delay syndrome; Autosomal dominant nonsyndromic hearing loss 1. Last evaluated: 2025-01-13. Review status: criteria provided, single submitter. Criteria: Invitae Variant Classification Sherloc (09022015). Collection method: clinical testing. Allele origin: germline.
Comment: This sequence change falls in intron 6 of the DIAPH1 gene. It does not directly change the encoded amino acid sequence of the DIAPH1 protein. It affects a nucleotide within the consensus splice site. This variant is not present in population databases (gnomAD no frequency). This variant has not been reported in the literature in individuals affected with DIAPH1-related conditions. ClinVar contains an entry for this variant (Variation ID: 2946933). Variants that disrupt the consensus splice site are a relatively common cause of aberrant splicing (PMID: 17576681, 9536098). Algorithms developed to predict the effect of sequence changes on RNA splicing suggest that this variant is not likely to affect RNA splicing. In summary, the available evidence is currently insufficient to determine the role of this variant in disease. Therefore, it has been classified as a Variant of Uncertain Significance.

Literature cited by the submitters: PubMed 17576681; PubMed 9536098.